The following is an entry in ClinVar:

ClinVar aggregate classification (germline): Benign/Likely benign. Review status: criteria provided, multiple submitters, no conflicts (2 of 4 stars). 6 submissions from 6 submitters: Benign (3); Likely benign (2). 1 of the submissions does not count toward it. Last evaluated 2026-01-20.

Conditions:
NUP205-related disorder. Also called: NUP205-related condition.
Nephrotic syndrome, type 13 (NPHS13). Identifiers: Orphanet 656, MedGen C4225165, MONDO:0014818, OMIM 616893.

Allele frequency attached by ClinVar (database versions not stated): 1000 Genomes Project 0.00160; 1000 Genomes Project 30x 0.00172; gnomAD 0.00259 and 0.00265; ExAC 0.00292; ESP Exome Variant Server 0.00300; gnomAD exomes 0.00313 and 0.00331; TOPMed 0.00329.
gnomAD v4.1: 5,066 of 1,614,054 alleles (0.31%); highest among the groups gnomAD compares: Middle Eastern, 0.76%; 16 homozygotes.

Submissions (6):

Labcorp Genetics (formerly Invitae), Labcorp
Classification: Benign. Last evaluated: 2026-01-20. Review status: criteria provided, single submitter. Criteria: Invitae Variant Classification Sherloc (09022015). Collection method: clinical testing. Allele origin: germline.

CeGaT Center for Human Genetics Tuebingen
Classification: Likely benign. Last evaluated: 2024-06-01. Review status: criteria provided, single submitter. Criteria: CeGaT Center For Human Genetics Tuebingen Variant Classification Criteria Version 2. Collection method: clinical testing. Allele origin: germline. Affected: yes. Observed: 2 variant alleles.
Comment: NUP205: BP4, BP7, BS2

Mayo Clinic Laboratories, Mayo Clinic
Classification: Benign. Last evaluated: 2023-08-11. Review status: criteria provided, single submitter. Criteria: ACMG Guidelines, 2015. Collection method: clinical testing. Allele origin: germline. Observed: 4 variant alleles.
Comment: BS1, BS2, BP4, BP7

Fulgent Genetics
Classification: Likely benign for Nephrotic syndrome, type 13. Last evaluated: 2022-03-16. Review status: criteria provided, single submitter. Criteria: ACMG Guidelines, 2015. Collection method: clinical testing. Allele origin: unknown.

Breakthrough Genomics
Classification: Benign. Review status: criteria provided, single submitter. Criteria: ACMG Guidelines, 2015. Collection method: not provided. Allele origin: germline. Inheritance: Autosomal recessive inheritance. Affected: yes.

PreventionGenetics, part of Exact Sciences
Classification: Benign for NUP205-related condition. Last evaluated: 2019-05-28. Review status: no assertion criteria provided. Collection method: clinical testing. Allele origin: germline. Not counted in ClinVar's aggregate classification.
Comment: This variant is classified as benign based on ACMG/AMP sequence variant interpretation guidelines (Richards et al. 2015 PMID: 25741868, with internal and published modifications).

NM_015135.3(NUP205):c.4425C>T (p.Ala1475=)

Gene: NUP205 (nucleoporin 205; plus strand). Cytogenetic location: 7q33.
Variant type: single nucleotide variant.
Coding change: c.4425C>T on transcript NM_015135.3 (MANE Select); coding-DNA position 4425, C replaced by T.
Protein change: p.Ala1475=; no amino-acid change (alanine 1475 retained).
Molecular consequence: synonymous variant.
Genome position (GRCh38, 1-based): chr7:135,622,871, C>T. VCF-style: chr7-135622871-C-T. GRCh37 (hg19) VCF-style: chr7-135307619-C-T.
Other names: p.Ala1475=; c.3351C>T, p.Ala1117= (NM_001329434.2).
Identifiers: ClinVar variation 710438 (VCV000710438.36), dbSNP rs146766044, ClinGen allele CA4498880.